The following is an entry in ClinVar:

ClinVar aggregate classification (germline): Uncertain significance. Review status: criteria provided, multiple submitters, no conflicts (2 of 4 stars). 2 submissions from 2 submitters: Uncertain significance (2). Last evaluated 2024-10-11.

Conditions:
Hereditary cancer-predisposing syndrome. Also called: Neoplastic Syndromes, Hereditary; Tumor predisposition; Hereditary neoplastic syndrome; Hereditary Cancer Syndrome. Identifiers: Orphanet 140162, MedGen C0027672, MeSH D009386, MONDO:0015356.
Gorlin syndrome. Also called: Basal cell nevus syndrome; Nevoid Basal Cell Carcinoma Syndrome. Identifiers: Orphanet 377, MedGen C0004779, MONDO:0007187.

Submissions (2):

Labcorp Genetics (formerly Invitae), Labcorp
Classification: Uncertain significance for Gorlin syndrome. Last evaluated: 2024-10-11. Review status: criteria provided, single submitter. Criteria: Invitae Variant Classification Sherloc (09022015). Collection method: clinical testing. Allele origin: germline.
Comment: This sequence change replaces proline, which is neutral and non-polar, with serine, which is neutral and polar, at codon 916 of the PTCH1 protein (p.Pro916Ser). This variant is not present in population databases (gnomAD no frequency). This variant has not been reported in the literature in individuals affected with PTCH1-related conditions. ClinVar contains an entry for this variant (Variation ID: 1795488). Invitae Evidence Modeling of protein sequence and biophysical properties (such as structural, functional, and spatial information, amino acid conservation, physicochemical variation, residue mobility, and thermodynamic stability) has been performed for this missense variant. However, the output from this modeling did not meet the statistical confidence thresholds required to predict the impact of this variant on PTCH1 protein function. In summary, the available evidence is currently insufficient to determine the role of this variant in disease. Therefore, it has been classified as a Variant of Uncertain Significance.

Ambry Genetics
Classification: Uncertain significance for Hereditary cancer-predisposing syndrome. Last evaluated: 2022-04-09. Review status: criteria provided, single submitter. Criteria: Ambry Variant Classification Scheme 2023. Collection method: clinical testing. Allele origin: germline.
Comment: The p.P916S variant (also known as c.2746C>T), located in coding exon 17 of the PTCH1 gene, results from a C to T substitution at nucleotide position 2746. The proline at codon 916 is replaced by serine, an amino acid with similar properties. This amino acid position is conserved. In addition, the in silico prediction for this alteration is inconclusive. Since supporting evidence is limited at this time, the clinical significance of this alteration remains unclear.

NM_000264.5(PTCH1):c.2746C>T (p.Pro916Ser)

Gene: PTCH1 (patched 1; minus strand). Cytogenetic location: 9q22.32.
Variant type: single nucleotide variant.
Coding change: c.2746C>T on transcript NM_000264.5 (MANE Select); coding-DNA position 2746, C replaced by T.
Protein change: p.Pro916Ser; replaces proline 916 with serine.
Molecular consequence: missense variant. On other transcripts: non-coding transcript variant (1).
Genome position (GRCh38, 1-based): chr9:95,459,741, G>A on the plus strand (C>T on the coding strand, the complement: PTCH1 is on the minus strand). VCF-style: chr9-95459741-G-A. GRCh37 (hg19) VCF-style: chr9-98222023-G-A.
Other names: c.2548C>T, p.Pro850Ser (NM_001083602.3); c.2743C>T, p.Pro915Ser (NM_001083603.3); c.2293C>T, p.Pro765Ser (NM_001083604.3, NM_001083605.3, NM_001083606.3 and 1 more transcripts); c.2590C>T, p.Pro864Ser (NM_001354918.2); short protein forms P916S, P765S, P850S, P915S, P864S.
Identifiers: ClinVar variation 1795488 (VCV001795488.4), dbSNP rs2136672735, ClinGen allele CA374113171.